The following is an entry in ClinVar:

ClinVar aggregate classification (germline): Likely benign (1 of 4 stars; one submission).

Allele frequency attached by ClinVar (database versions not stated): ESP Exome Variant Server 0.00015.
gnomAD v4.1: 275 of 1,613,946 alleles (0.017%); highest among the groups gnomAD compares: Middle Eastern, 0.12%; no homozygotes.

Submission:

CeGaT Center for Human Genetics Tuebingen
Classification: Likely benign. Last evaluated: 2022-08-01. Review status: criteria provided, single submitter. Criteria: CeGaT Center For Human Genetics Tuebingen Variant Classification Criteria Version 2. Collection method: clinical testing. Allele origin: germline. Affected: yes. Observed: 1 variant allele.
Comment: ITGAE: BP4, BP7

NM_002208.5(ITGAE):c.1710C>T (p.Pro570=)

Gene: ITGAE (integrin subunit alpha E; minus strand). Cytogenetic location: 17p13.2.
Variant type: single nucleotide variant.
Coding change: c.1710C>T on transcript NM_002208.5 (MANE Select); coding-DNA position 1710, C replaced by T.
Protein change: p.Pro570=; no amino-acid change (proline 570 retained).
Molecular consequence: synonymous variant.
Genome position (GRCh38, 1-based): chr17:3,751,833, G>A on the plus strand (C>T on the coding strand, the complement: ITGAE is on the minus strand). VCF-style: chr17-3751833-G-A. GRCh37 (hg19) VCF-style: chr17-3655127-G-A.
Identifiers: ClinVar variation 2647240 (VCV002647240.24), dbSNP rs144011498, ClinGen allele CA8294227.